The following is an entry in ClinVar:

NM_001394062.1(MACF1):c.22578C>T (p.Ser7526=)

Gene: MACF1 (microtubule actin crosslinking factor 1; plus strand). Cytogenetic location: 1p34.3.
Variant type: single nucleotide variant.
Coding change: c.22578C>T on transcript NM_001394062.1 (MANE Select); coding-DNA position 22578, C replaced by T.
Protein change: p.Ser7526=; no amino-acid change (serine 7526 retained).
Molecular consequence: synonymous variant.
Genome position (GRCh38, 1-based): chr1:39,485,704, C>T. VCF-style: chr1-39485704-C-T. GRCh37 (hg19) VCF-style: chr1-39951376-C-T.
Other names: c.10458C>T, p.Ser3486= (NM_001397473.1); c.16203C>T, p.Ser5401= (NM_012090.5).
Identifiers: ClinVar variation 3032048 (VCV003032048.2), dbSNP rs776333371, ClinGen allele CA417526324.
Genomic context (GRCh38, chr1:39,485,704, plus strand): 5'-GACGCAGTCTGCTTGTTCCGACACTTCAGAAAGCAGCGCTGCAGGGGGCCAAGGCAACTC[C>T]AGGAGAGGGCTAAACAAACCTTCCAAAATCCCAACCATGTCTAAGAAGACCACCACTGCC-3'
Protein context (NP_001380991.1, residues 7516-7536): ESSAAGGQGN[Ser7526=]RRGLNKPSKI

ClinVar aggregate classification (germline): Likely benign (0 of 4 stars; one submission).

Conditions:
MACF1-related disorder. Also called: MACF1-related condition.

Allele frequency attached by ClinVar (database versions not stated): gnomAD 0.00001.
gnomAD v4.1: 8 of 1,613,902 alleles (0.0005%); highest among the groups gnomAD compares: Middle Eastern, 0.033%; no homozygotes.

Submission:

PreventionGenetics, part of Exact Sciences
Classification: Likely benign for MACF1-related condition. Last evaluated: 2024-01-23. Review status: no assertion criteria provided. Collection method: clinical testing. Allele origin: germline.
Comment: This variant is classified as likely benign based on ACMG/AMP sequence variant interpretation guidelines (Richards et al. 2015 PMID: 25741868, with internal and published modifications).